The following is an entry in ClinVar:

NM_032490.5(GON7):c.44A>G (p.Gln15Arg)

Gene: GON7 (GON7 subunit of KEOPS complex; minus strand). Cytogenetic location: 14q32.12.
Variant type: single nucleotide variant.
Coding change: c.44A>G on transcript NM_032490.5 (MANE Select); coding-DNA position 44, A replaced by G.
Protein change: p.Gln15Arg; replaces glutamine 15 with arginine.
Molecular consequence: missense variant.
Genome position (GRCh38, 1-based): chr14:93,206,994, T>C on the plus strand (A>G on the coding strand, the complement: GON7 is on the minus strand). VCF-style: chr14-93206994-T-C. GRCh37 (hg19) VCF-style: chr14-93673339-T-C.
Other names: short protein forms Q15R.
Identifiers: ClinVar variation 3039752 (VCV003039752.2), dbSNP rs199880504, ClinGen allele CA7319663.

ClinVar aggregate classification (germline): Likely benign (0 of 4 stars; one submission).

Conditions:
GON7-related disorder. Also called: GON7-related condition.

Allele frequency attached by ClinVar (database versions not stated): gnomAD exomes 0.00010; ExAC 0.00035; ESP Exome Variant Server 0.00090; gnomAD 0.00099; 1000 Genomes Project 0.00100; TOPMed 0.00106; 1000 Genomes Project 30x 0.00109.
gnomAD v4.1: 293 of 1,614,086 alleles (0.018%); highest among the groups gnomAD compares: African/African-American, 0.36%; 1 homozygote.

Submission:

PreventionGenetics, part of Exact Sciences
Classification: Likely benign for GON7-related condition. Last evaluated: 2023-11-22. Review status: no assertion criteria provided. Collection method: clinical testing. Allele origin: germline.
Comment: This variant is classified as likely benign based on ACMG/AMP sequence variant interpretation guidelines (Richards et al. 2015 PMID: 25741868, with internal and published modifications).